The following is an entry in ClinVar:

NM_001283009.2(RTEL1):c.1038-12T>C

Genes: RTEL1 (regulator of telomere elongation helicase 1; plus strand), RTEL1-TNFRSF6B (RTEL1-TNFRSF6B readthrough (NMD candidate); plus strand). Cytogenetic location: 20q13.33.
Variant type: single nucleotide variant.
Coding change: c.1038-12T>C on transcript NM_001283009.2 (MANE Select); 12 bases into the intron before coding-DNA position 1038, T replaced by C.
Molecular consequence: intron variant.
Genome position (GRCh38, 1-based): chr20:63,679,837, T>C. VCF-style: chr20-63679837-T-C. GRCh37 (hg19) VCF-style: chr20-62311190-T-C.
Other names: c.369-12T>C (NM_001283010.1); c.1110-12T>C (NM_032957.5); c.1038-12T>C (NM_016434.4).
Identifiers: ClinVar variation 3748948 (VCV003748948.2).

ClinVar aggregate classification (germline): Uncertain significance (1 of 4 stars; one submission).

Conditions:
Pulmonary fibrosis and/or bone marrow failure, Telomere-related, 3. Also called: PULMONARY FIBROSIS AND/OR BONE MARROW FAILURE SYNDROME, TELOMERE-RELATED, 3. Identifiers: Orphanet 2032, MedGen C4225346, MONDO:0014613, OMIM 616373.
Dyskeratosis congenita, autosomal recessive 5 (DKCB5). Identifiers: MedGen C3554656, MONDO:0014076, OMIM 615190.

gnomAD v4.1: 1 of 1,606,870 alleles (0.000062%); highest among the groups gnomAD compares: South Asian, 0.0011%; no homozygotes.

Submission:

Labcorp Genetics (formerly Invitae), Labcorp
Classification: Uncertain significance for Dyskeratosis congenita, autosomal recessive 5; Pulmonary fibrosis and/or bone marrow failure, Telomere-related, 3. Last evaluated: 2024-03-01. Review status: criteria provided, single submitter. Criteria: Invitae Variant Classification Sherloc (09022015). Collection method: clinical testing. Allele origin: germline.
Comment: This sequence change falls in intron 12 of the RTEL1 gene. It does not directly change the encoded amino acid sequence of the RTEL1 protein. This variant is not present in population databases (gnomAD no frequency). This variant has not been reported in the literature in individuals affected with RTEL1-related conditions. Algorithms developed to predict the effect of sequence changes on RNA splicing suggest that this variant may disrupt the consensus splice site. In summary, the available evidence is currently insufficient to determine the role of this variant in disease. Therefore, it has been classified as a Variant of Uncertain Significance.